The following is an entry in ClinVar:

NM_003906.5(MCM3AP):c.4648-3C>T

Genes: MCM3AP (minichromosome maintenance complex component 3 associated protein; minus strand), MCM3AP-AS1 (MCM3AP antisense RNA 1; plus strand). Cytogenetic location: 21q22.3.
Variant type: single nucleotide variant.
Coding change: c.4648-3C>T on transcript NM_003906.5 (MANE Select); 3 bases into the intron before coding-DNA position 4648, C replaced by T.
Molecular consequence: intron variant.
Genome position (GRCh38, 1-based): chr21:46,245,200, G>A on the plus strand (C>T on the coding strand, the complement: MCM3AP is on the minus strand). VCF-style: chr21-46245200-G-A. GRCh37 (hg19) VCF-style: chr21-47665114-G-A.
Identifiers: ClinVar variation 1941222 (VCV001941222.3), dbSNP rs1601491222, ClinGen allele CA2392574824.

ClinVar aggregate classification (germline): Uncertain significance (1 of 4 stars; one submission).

Allele frequency attached by ClinVar (database versions not stated): TOPMed below 0.00001.
gnomAD v4.1: 9 of 1,575,720 alleles (0.00057%); highest among the groups gnomAD compares: Middle Eastern, 0.017%; no homozygotes.

Submission:

Labcorp Genetics (formerly Invitae), Labcorp
Classification: Uncertain significance. Last evaluated: 2025-08-15. Review status: criteria provided, single submitter. Criteria: Invitae Variant Classification Sherloc (09022015). Collection method: clinical testing. Allele origin: germline.
Comment: This sequence change falls in intron 22 of the MCM3AP gene. It does not directly change the encoded amino acid sequence of the MCM3AP protein. It affects a nucleotide within the consensus splice site. This variant is not present in population databases (gnomAD no frequency). This variant has not been reported in the literature in individuals affected with MCM3AP-related conditions. ClinVar contains an entry for this variant (Variation ID: 1941222). Variants that disrupt the consensus splice site are a relatively common cause of aberrant splicing (PMID: 17576681, 9536098). Algorithms developed to predict the effect of sequence changes on RNA splicing suggest that this variant is not likely to affect RNA splicing. In summary, the available evidence is currently insufficient to determine the role of this variant in disease. Therefore, it has been classified as a Variant of Uncertain Significance.

Literature cited by the submitters: PubMed 17576681; PubMed 9536098.